The following is an entry in ClinVar:

NM_003730.6(RNASET2):c.147+3G>A

Gene: RNASET2 (ribonuclease T2; minus strand). Cytogenetic location: 6q27.
Variant type: single nucleotide variant.
Coding change: c.147+3G>A on transcript NM_003730.6 (MANE Select); 3 bases into the intron after coding-DNA position 147, G replaced by A.
Molecular consequence: intron variant.
Genome position (GRCh38, 1-based): chr6:166,952,485, C>T on the plus strand (G>A on the coding strand, the complement: RNASET2 is on the minus strand). VCF-style: chr6-166952485-C-T. GRCh37 (hg19) VCF-style: chr6-167365973-C-T.
Identifiers: ClinVar variation 356037 (VCV000356037.15), dbSNP rs78446649, ClinGen allele CA4095180.

ClinVar aggregate classification (germline): Benign. Review status: criteria provided, multiple submitters, no conflicts (2 of 4 stars). 2 submissions from 2 submitters: Benign (2). Last evaluated 2026-01-29.

Conditions:
Cystic leukoencephalopathy without megalencephaly. Identifiers: Orphanet 85136, MedGen C2751843, MONDO:0013058, OMIM 612951.

Allele frequency attached by ClinVar (database versions not stated): gnomAD exomes 0.00263 and 0.00710; ExAC 0.00877; gnomAD 0.02784 and 0.02990; ESP Exome Variant Server 0.03091; TOPMed 0.03104; 1000 Genomes Project 0.03175; 1000 Genomes Project 30x 0.03435.
gnomAD v4.1: 8,215 of 1,613,724 alleles (0.51%); highest among the groups gnomAD compares: African/African-American, 10%; 409 homozygotes.

Submissions (2):

Labcorp Genetics (formerly Invitae), Labcorp
Classification: Benign. Last evaluated: 2026-01-29. Review status: criteria provided, single submitter. Criteria: Invitae Variant Classification Sherloc (09022015). Collection method: clinical testing. Allele origin: germline.

Illumina Laboratory Services, Illumina
Classification: Benign for Cystic leukoencephalopathy without megalencephaly. Last evaluated: 2018-01-12. Review status: criteria provided, single submitter. Criteria: ICSL Variant Classification Criteria 13 December 2019. Collection method: clinical testing. Allele origin: germline.
Comment: This variant was observed in the ICSL laboratory as part of a predisposition screen in an ostensibly healthy population. It had not been previously curated by ICSL or reported in the Human Gene Mutation Database (HGMD: prior to June 1st, 2018), and was therefore a candidate for classification through an automated scoring system. Utilizing variant allele frequency, disease prevalence and penetrance estimates, and inheritance mode, an automated score was calculated to assess if this variant is too frequent to cause the disease. Based on the score and internal cut-off values, a variant classified as benign is not then subjected to further curation. The score for this variant resulted in a classification of benign for this disease.